The following is an entry in ClinVar:

NM_000501.4(ELN):c.2106C>A (p.Gly702=)

Gene: ELN (elastin; plus strand). Cytogenetic location: 7q11.23.
Variant type: single nucleotide variant.
Coding change: c.2106C>A on transcript NM_000501.4 (MANE Select); coding-DNA position 2106, C replaced by A.
Protein change: p.Gly702=; no amino-acid change (glycine 702 retained).
Molecular consequence: synonymous variant.
Genome position (GRCh38, 1-based): chr7:74,066,751, C>A. VCF-style: chr7-74066751-C-A. GRCh37 (hg19) VCF-style: chr7-73481081-C-A.
Other names: c.1965C>A, p.Gly655= (NM_001081752.3); c.2010C>A, p.Gly670= (NM_001081753.3); c.2067C>A, p.Gly689= (NM_001081754.3); c.2049C>A, p.Gly683= (NM_001081755.3); c.2052C>A, p.Gly684= (NM_001278912.2); c.1863C>A, p.Gly621= (NM_001278913.2); c.2034C>A, p.Gly678= (NM_001278914.2); c.2124C>A, p.Gly708= (NM_001278915.2); and 4 more.
Identifiers: ClinVar variation 2413805 (VCV002413805.21), dbSNP rs781937189, ClinGen allele CA4293395.

ClinVar aggregate classification (germline): Likely benign. Review status: criteria provided, multiple submitters, no conflicts (2 of 4 stars). 2 submissions from 2 submitters: Likely benign (2). Last evaluated 2026-01-01.

Conditions:
Supravalvar aortic stenosis (SVAS). Also called: Supravalvar aortic stenosis, Eisenberg type. Identifiers: Orphanet 3193, MedGen C0003499, MONDO:0008504, OMIM 185500, HP:0004381.

Allele frequency attached by ClinVar (database versions not stated): gnomAD 0.00001; ExAC 0.00002; gnomAD exomes 0.00002; TOPMed 0.00003.
gnomAD v4.1: 31 of 1,613,592 alleles (0.0019%); highest among the groups gnomAD compares: Non-Finnish European, 0.0026%; no homozygotes.

Submissions (2):

CeGaT Center for Human Genetics Tuebingen
Classification: Likely benign. Last evaluated: 2026-01-01. Review status: criteria provided, single submitter. Criteria: CeGaT Center For Human Genetics Tuebingen Variant Classification Criteria Version 2. Collection method: clinical testing. Allele origin: germline. Affected: yes. Observed: 2 variant alleles.
Comment: ELN: BP4, BP7

Labcorp Genetics (formerly Invitae), Labcorp
Classification: Likely benign for Supravalvar aortic stenosis. Last evaluated: 2025-10-26. Review status: criteria provided, single submitter. Criteria: Invitae Variant Classification Sherloc (09022015). Collection method: clinical testing. Allele origin: germline.